The following is an entry in ClinVar:

ClinVar aggregate classification (germline): Pathogenic/Likely pathogenic. Review status: criteria provided, multiple submitters, no conflicts (2 of 4 stars). 5 submissions from 5 submitters: Pathogenic (3); Likely pathogenic (2). Last evaluated 2025-11-10.

Conditions:
Hereditary cancer-predisposing syndrome. Also called: Tumor predisposition; Hereditary Cancer Syndrome; Hereditary neoplastic syndrome; Neoplastic Syndromes, Hereditary. Identifiers: Orphanet 140162, MedGen C0027672, MeSH D009386, MONDO:0015356.
Multiple endocrine neoplasia, type 1 (MEN1). Also called: MEN I; WERMER SYNDROME; MEA I; Endocrine adenomatosis multiple; MEN 1. Identifiers: Orphanet 652, MedGen C0025267, MeSH D018761, MONDO:0007540, OMIM 131100.

Submissions (5):

Labcorp Genetics (formerly Invitae), Labcorp
Classification: Pathogenic for Multiple endocrine neoplasia, type 1. Last evaluated: 2025-11-10. Review status: criteria provided, single submitter. Criteria: Invitae Variant Classification Sherloc (09022015). Collection method: clinical testing. Allele origin: germline.
Comment: This sequence change affects an acceptor splice site in intron 6 of the MEN1 gene. It is expected to disrupt RNA splicing. Variants that disrupt the donor or acceptor splice site typically lead to a loss of protein function (PMID: 16199547), and loss-of-function variants in MEN1 are known to be pathogenic (PMID: 12112656, 17853334). This variant is not present in population databases (gnomAD no frequency). Disruption of this splice site has been observed in individuals with clinical features of multiple endocrine neoplasia type 1 (PMID: 10090472; internal data). Invitae Evidence Modeling of clinical and family history, age, sex, and reported ancestry of multiple individuals with this MEN1 variant has been performed. This variant is expected to be pathogenic with a positive predictive value of at least 99%. This is a validated machine learning model that incorporates the clinical features of 1,366,787 individuals referred to our laboratory for MEN1 testing. ClinVar contains an entry for this variant (Variation ID: 373724). Algorithms developed to predict the effect of sequence changes on RNA splicing suggest that this variant may disrupt the consensus splice site. For these reasons, this variant has been classified as Pathogenic.

Quest Diagnostics Nichols Institute San Juan Capistrano
Classification: Pathogenic. Last evaluated: 2024-10-29. Review status: criteria provided, single submitter. Criteria: Quest Diagnostics criteria. Collection method: clinical testing. Allele origin: unknown.
Comment: The MEN1 c.913-1G>A variant disrupts a canonical splice-donor site and interferes with normal MEN1 mRNA splicing. This variant has been reported in the published literature in individuals with multiple endocrine neoplasia type 1 (MEN1) syndrome (PMID: 30339208 (2018)) and breast cancer (PMID: 33471991 (2021), see also LOVD). This variant has not been reported in large, multi-ethnic general populations (Genome Aggregation Database). Based on the available information, this variant is classified as pathogenic.

All of Us Research Program, National Institutes of Health
Classification: Likely pathogenic for Multiple endocrine neoplasia, type 1. Last evaluated: 2024-06-09. Review status: criteria provided, single submitter. Criteria: ACMG Guidelines, 2015. Collection method: clinical testing. Allele origin: germline. Inheritance: Autosomal dominant inheritance. Observed: 1 variant allele, 1 heterozygote.
Comment: This variant causes a G to A nucleotide substitution at the -1 position of intron 6 of the MEN1 gene. Splice site prediction tools suggest that this variant may have a significant impact on RNA splicing. Although this prediction has not been confirmed in published RNA studies, this variant is expected to result in an absent or disrupted protein product. This variant has been reported in an individual affected with multiple endocrine neoplasia type 1 (PMID: 10090472). This variant has not been identified in the general population by the Genome Aggregation Database (gnomAD). Loss of MEN1 function is a known mechanism of disease. Based on the available evidence, this variant is classified as Likely Pathogenic.

This study involves interpretation of variants in research participants for the purpose of population health screening. Participant phenotype was not available at the time of variant classification. Additional details can be found in publication PMID: 35346344, PMCID: PMC8962531

Ambry Genetics
Classification: Likely pathogenic for Hereditary cancer-predisposing syndrome. Last evaluated: 2021-09-23. Review status: criteria provided, single submitter. Criteria: Ambry Variant Classification Scheme 2023. Collection method: clinical testing. Allele origin: germline.
Comment: The c.913-1G>A intronic variant results from a G to A substitution one nucleotide upstream from coding exon 6 of the MEN1 gene. This variant is considered to be rare based on population cohorts in the Genome Aggregation Database (gnomAD). This nucleotide position is highly conserved in available vertebrate species. In silico splice site analysis predicts that this alteration will weaken the native splice acceptor site and will result in the creation or strengthening of a novel splice acceptor site. In addition to the clinical data presented in the literature, alterations that disrupt the canonical splice site are expected to cause aberrant splicing, resulting in an abnormal protein or a transcript that is subject to nonsense-mediated mRNA decay. As such, this alteration is classified as likely pathogenic.

GeneDx
Classification: Pathogenic. Last evaluated: 2016-11-29. Review status: criteria provided, single submitter. Criteria: GeneDx Variant Classification (06012015). Collection method: clinical testing. Allele origin: germline. Affected: yes.
Comment: The c.913-1G>A splice site variant in the MEN1 gene has not been reported previously as a pathogenic variant, nor as a benign variant, to our knowledge. This variant destroys the canonical splice acceptor site in intron 6. It is predicted to cause abnormal gene splicing, either leading to an abnormal message that is subject to nonsense-mediated mRNA decay, or to an abnormal protein product if the message is used for protein translation. Based on currently available evidence, we consider c.913-1G>A to be pathogenic.

Literature cited by the submitters: PubMed 16199547 (cited by Labcorp Genetics (formerly Invitae), Labcorp); PubMed 12112656 (cited by Labcorp Genetics (formerly Invitae), Labcorp); PubMed 17853334 (cited by Labcorp Genetics (formerly Invitae), Labcorp); PubMed 10090472 (cited by 3 submitters); PubMed 30339208 (cited by Quest Diagnostics Nichols Institute San Juan Capistrano and Ambry Genetics); PubMed 33471991 (cited by Quest Diagnostics Nichols Institute San Juan Capistrano).

NM_001370259.2(MEN1):c.913-1G>A

Gene: MEN1 (menin 1; minus strand). Cytogenetic location: 11q13.1.
Variant type: single nucleotide variant.
Coding change: c.913-1G>A on transcript NM_001370259.2 (MANE Select); the canonical splice acceptor site of the intron before coding-DNA position 913, G replaced by A.
Molecular consequence: splice acceptor variant.
Genome position (GRCh38, 1-based): chr11:64,806,369, C>T on the plus strand (G>A on the coding strand, the complement: MEN1 is on the minus strand). VCF-style: chr11-64806369-C-T. GRCh37 (hg19) VCF-style: chr11-64573841-C-T.
Other names: c.928-1G>A (NM_130803.3, NM_000244.4, NM_130801.3 and 5 more transcripts); c.808-1G>A (NM_001407148.1, NM_001407149.1, NM_001407151.1 and 2 more transcripts); c.913-1G>A (NM_130799.3, NM_001407144.1, NM_001370260.2 and 7 more transcripts).
Identifiers: ClinVar variation 373724 (VCV000373724.14), dbSNP rs1057518572, ClinGen allele CA16042860.
Genomic context (GRCh38, chr11:64,806,369, plus strand): 5'-CAGGTACATGTAGGGGTAGATGTGTTCATCCCGATAGTAGGTCTTGGCTGAGGCAATGCC[C>T]TGGATGGAGGTGAGGCAGAGGATCCTCAGGGAGGCAGCCCCAGCTGCCCTGCTGGCACAA-3'